The following is an entry in ClinVar:

ClinVar aggregate classification (germline): Uncertain significance (1 of 4 stars; one submission).

Conditions:
Hereditary cancer-predisposing syndrome. Also called: Neoplastic Syndromes, Hereditary; Hereditary Cancer Syndrome; Tumor predisposition; Hereditary neoplastic syndrome. Identifiers: Orphanet 140162, MedGen C0027672, MeSH D009386, MONDO:0015356.

gnomAD v4.1: 1 of 1,612,158 alleles (0.000062%); highest among the groups gnomAD compares: Non-Finnish European, 0.000085%; no homozygotes.

Submission:

Ambry Genetics
Classification: Uncertain significance for Hereditary cancer-predisposing syndrome. Last evaluated: 2025-01-08. Review status: criteria provided, single submitter. Criteria: Ambry Variant Classification Scheme 2023. Collection method: clinical testing. Allele origin: germline.
Comment: The p.Y660F variant (also known as c.1979A>T), located in coding exon 11 of the RET gene, results from an A to T substitution at nucleotide position 1979. The tyrosine at codon 660 is replaced by phenylalanine, an amino acid with highly similar properties. This amino acid position is well conserved in available vertebrate species. In addition, the in silico prediction for this alteration is inconclusive. Based on the available evidence, the clinical significance of this variant remains unclear.

NM_020975.6(RET):c.1979A>T (p.Tyr660Phe)

Gene: RET (ret proto-oncogene; plus strand). Cytogenetic location: 10q11.21.
Variant type: single nucleotide variant.
Coding change: c.1979A>T on transcript NM_020975.6 (MANE Select); coding-DNA position 1979, A replaced by T.
Protein change: p.Tyr660Phe; replaces tyrosine 660 with phenylalanine.
Molecular consequence: missense variant. On other transcripts: intron variant (4).
Genome position (GRCh38, 1-based): chr10:43,114,579, A>T. VCF-style: chr10-43114579-A-T. GRCh37 (hg19) VCF-style: chr10-43610027-A-T.
Other names: c.1217A>T, p.Tyr406Phe (NM_001355216.2); c.1979A>T, p.Tyr660Phe (NM_001406743.1, NM_001406744.1, NM_001406759.1 and 2 more transcripts); c.1850A>T, p.Tyr617Phe (NM_001406761.1, NM_001406762.1, NM_001406764.1); c.1691A>T, p.Tyr564Phe (NM_001406766.1, NM_001406767.1, NM_001406770.1); c.1583A>T, p.Tyr528Phe (NM_001406769.1, NM_001406772.1); c.1541A>T, p.Tyr514Phe (NM_001406771.1, NM_001406773.1); c.1454A>T, p.Tyr485Phe (NM_001406774.1); c.1253A>T, p.Tyr418Phe (NM_001406775.1, NM_001406776.1, NM_001406777.1 and 1 more transcripts); and 10 more; short protein forms Y321F, Y330F, Y361F, Y485F, Y564F, Y177F, Y225F, Y265F.
Identifiers: ClinVar variation 3788302 (VCV003788302.1).
Genomic context (GRCh38, chr10:43,114,579, plus strand): 5'-CCGCTGTCCTCTTCTCCTTCATCGTCTCGGTGCTGCTGTCTGCCTTCTGCATCCACTGCT[A>T]CCACAAGTTTGCCCACAAGCCACCCATCTCCTCAGCTGAGATGACCTTCCGGAGGCCCGC-3'
Protein context (NP_066124.1, residues 650-670): VLLSAFCIHC[Tyr660Phe]HKFAHKPPIS